The following is an entry in ClinVar:

NM_001134363.3(RBM20):c.83G>A (p.Gly28Asp)

Gene: RBM20 (RNA binding motif protein 20; plus strand). Cytogenetic location: 10q25.2.
Variant type: single nucleotide variant.
Coding change: c.83G>A on transcript NM_001134363.3 (MANE Select); coding-DNA position 83, G replaced by A.
Protein change: p.Gly28Asp; replaces glycine 28 with aspartic acid.
Molecular consequence: missense variant.
Genome position (GRCh38, 1-based): chr10:110,644,537, G>A. VCF-style: chr10-110644537-G-A. GRCh37 (hg19) VCF-style: chr10-112404295-G-A.
Other names: c.83G>A (NM_001134363.1); short protein forms G28D.
Identifiers: ClinVar variation 937622 (VCV000937622.14), dbSNP rs1466787506, ClinGen allele CA378527580.

ClinVar aggregate classification (germline): Conflicting classifications of pathogenicity. Review status: criteria provided, conflicting classifications (1 of 4 stars). 4 submissions from 4 submitters: Uncertain significance (3); Likely benign (1). Last evaluated 2026-03-19.

Conditions:
Cardiovascular phenotype. Identifiers: MedGen CN230736.
Dilated cardiomyopathy 1DD (CMD1DD). Identifiers: Orphanet 154, MedGen C2750995, MONDO:0013168, OMIM 613172.

Allele frequency attached by ClinVar (database versions not stated): gnomAD exomes 0.00001 and 0.00003; TOPMed 0.00001; gnomAD 0.00002.
gnomAD v4.1: 9 of 1,527,936 alleles (0.00059%); highest among the groups gnomAD compares: Admixed American, 0.016%; no homozygotes.

Submissions (4):

GeneDx
Classification: Uncertain significance. Last evaluated: 2026-03-19. Review status: criteria provided, single submitter. Criteria: GeneDx Variant Classification Process June 2021. Collection method: clinical testing. Allele origin: germline.
Comment: In silico analysis suggests that this missense variant does not alter protein structure/function; Has not been previously published as pathogenic or benign to our knowledge

Labcorp Genetics (formerly Invitae), Labcorp
Classification: Likely benign for Dilated cardiomyopathy 1DD. Last evaluated: 2026-01-27. Review status: criteria provided, single submitter. Criteria: Invitae Variant Classification Sherloc (09022015). Collection method: clinical testing. Allele origin: germline.

Ambry Genetics
Classification: Uncertain significance for Cardiovascular phenotype. Last evaluated: 2025-08-08. Review status: criteria provided, single submitter. Criteria: Ambry Variant Classification Scheme 2023. Collection method: clinical testing. Allele origin: germline.

Revvity Omics, Revvity
Classification: Uncertain significance for Dilated cardiomyopathy 1DD. Last evaluated: 2019-08-02. Review status: criteria provided, single submitter. Criteria: ACMG Guidelines, 2015. Collection method: clinical testing. Allele origin: germline.